The following is an entry in ClinVar:

ClinVar aggregate classification (germline): Uncertain significance (1 of 4 stars; one submission).

Submission:

GeneDx
Classification: Uncertain significance. Last evaluated: 2024-11-03. Review status: criteria provided, single submitter. Criteria: GeneDx Variant Classification Process June 2021. Collection method: clinical testing. Allele origin: germline. Affected: yes.
Comment: Not observed at significant frequency in large population cohorts (gnomAD); In silico analysis supports that this missense variant has a deleterious effect on protein structure/function; Has not been previously published as pathogenic or benign to our knowledge; In silico analysis suggests this variant may impact gene splicing. In the absence of RNA/functional studies, the actual effect of this sequence change is unknown.

NM_015076.5(CDK19):c.710G>T (p.Arg237Leu)

Gene: CDK19 (cyclin dependent kinase 19; minus strand). Cytogenetic location: 6q21.
Variant type: single nucleotide variant.
Coding change: c.710G>T on transcript NM_015076.5 (MANE Select); coding-DNA position 710, G replaced by T.
Protein change: p.Arg237Leu; replaces arginine 237 with leucine.
Molecular consequence: missense variant.
Genome position (GRCh38, 1-based): chr6:110,627,082, C>A on the plus strand (G>T on the coding strand, the complement: CDK19 is on the minus strand). VCF-style: chr6-110627082-C-A. GRCh37 (hg19) VCF-style: chr6-110948285-C-A.
Other names: c.578G>T, p.Arg193Leu (NM_001300960.2); c.530G>T, p.Arg177Leu (NM_001300963.2, NM_001300964.2); short protein forms R177L, R193L, R237L.
Identifiers: ClinVar variation 3897218 (VCV003897218.1).